The following is an entry in ClinVar:

NM_000215.4(JAK3):c.3308G>A (p.Arg1103Gln)

Gene: JAK3 (Janus kinase 3; minus strand). Cytogenetic location: 19p13.11.
Variant type: single nucleotide variant.
Coding change: c.3308G>A on transcript NM_000215.4 (MANE Select); coding-DNA position 3308, G replaced by A.
Protein change: p.Arg1103Gln; replaces arginine 1103 with glutamine.
Molecular consequence: missense variant.
Genome position (GRCh38, 1-based): chr19:17,826,810, C>T on the plus strand (G>A on the coding strand, the complement: JAK3 is on the minus strand). VCF-style: chr19-17826810-C-T. GRCh37 (hg19) VCF-style: chr19-17937619-C-T.
Other names: short protein forms R1103Q.
Identifiers: ClinVar variation 1359421 (VCV001359421.6), dbSNP rs757920411, ClinGen allele CA9301350.

ClinVar aggregate classification (germline): Uncertain significance (1 of 4 stars; one submission).

Conditions:
T-B+ severe combined immunodeficiency due to JAK3 deficiency. Also called: SCID, autosomal recessive, T-negative/B-positive type; SCID, T CELL-NEGATIVE, B CELL-POSITIVE, NK CELL-NEGATIVE. Identifiers: Orphanet 35078, MedGen C1833275, MONDO:0010938, OMIM 600802.

Allele frequency attached by ClinVar (database versions not stated): gnomAD 0.00001; TOPMed 0.00001; ExAC 0.00002; gnomAD exomes 0.00003.
gnomAD v4.1: 20 of 1,613,976 alleles (0.0012%); highest among the groups gnomAD compares: East Asian, 0.018%; no homozygotes.

Submission:

Labcorp Genetics (formerly Invitae), Labcorp
Classification: Uncertain significance for T-B+ severe combined immunodeficiency due to JAK3 deficiency. Last evaluated: 2024-08-12. Review status: criteria provided, single submitter. Criteria: Invitae Variant Classification Sherloc (09022015). Collection method: clinical testing. Allele origin: germline.
Comment: This sequence change replaces arginine, which is basic and polar, with glutamine, which is neutral and polar, at codon 1103 of the JAK3 protein (p.Arg1103Gln). This variant is present in population databases (rs757920411, gnomAD 0.009%). This variant has not been reported in the literature in individuals affected with JAK3-related conditions. ClinVar contains an entry for this variant (Variation ID: 1359421). Advanced modeling of protein sequence and biophysical properties (such as structural, functional, and spatial information, amino acid conservation, physicochemical variation, residue mobility, and thermodynamic stability) performed at Invitae indicates that this missense variant is not expected to disrupt JAK3 protein function with a negative predictive value of 95%. In summary, the available evidence is currently insufficient to determine the role of this variant in disease. Therefore, it has been classified as a Variant of Uncertain Significance.